The following is an entry in ClinVar:

NM_006265.3(RAD21):c.510A>G (p.Ile170Met)

Gene: RAD21 (RAD21 cohesin complex component; minus strand). Cytogenetic location: 8q24.11.
Variant type: single nucleotide variant.
Coding change: c.510A>G on transcript NM_006265.3 (MANE Select); coding-DNA position 510, A replaced by G.
Protein change: p.Ile170Met; replaces isoleucine 170 with methionine.
Molecular consequence: missense variant.
Genome position (GRCh38, 1-based): chr8:116,857,445, T>C on the plus strand (A>G on the coding strand, the complement: RAD21 is on the minus strand). VCF-style: chr8-116857445-T-C. GRCh37 (hg19) VCF-style: chr8-117869684-T-C.
Other names: short protein forms I170M.
Identifiers: ClinVar variation 3361707 (VCV003361707.1).
Genomic context (GRCh38, chr8:116,857,445, plus strand): 5'-GTTAGAAGTAGTAGTGCTTACTAACATGTCGTCATCCTCAAAAGCACTGCCTTCTCTCAT[T>C]ATCTCACGATCATCCATTCCAAAATCACCTAAACAAATTTTAATTTGTCATTAGTTTAGA-3'
Protein context (NP_006256.1, residues 160-180): FGDFGMDDRE[Ile170Met]MREGSAFEDD

ClinVar aggregate classification (germline): Uncertain significance (1 of 4 stars; one submission).

gnomAD v4.1: 3 of 1,613,334 alleles (0.00019%); highest among the groups gnomAD compares: East Asian, 0.0022%; no homozygotes.

Submission:

GeneDx
Classification: Uncertain significance. Last evaluated: 2023-08-04. Review status: criteria provided, single submitter. Criteria: GeneDx Variant Classification Process June 2021. Collection method: clinical testing. Allele origin: germline. Affected: yes.
Comment: In silico analysis supports that this missense variant does not alter protein structure/function; Has not been previously published as pathogenic or benign to our knowledge